The following is an entry in ClinVar:

ClinVar aggregate classification (germline): Uncertain significance. Review status: criteria provided, multiple submitters, no conflicts (2 of 4 stars). 2 submissions from 2 submitters: Uncertain significance (2). Last evaluated 2024-01-01.

Conditions:
Cardiovascular phenotype. Identifiers: MedGen CN230736.
Brugada syndrome. Also called: Sudden unexplained nocturnal death syndrome; Sudden Unexplained Death Syndrome; Sudden Unexplained Nocturnal Death Syndrome (SUNDS); Sudden unexpected nocturnal death syndrome. Identifiers: Orphanet 130, MedGen C1142166, MONDO:0015263.

Allele frequency attached by ClinVar (database versions not stated): TOPMed below 0.00001; gnomAD 0.00001; gnomAD exomes 0.00001.
gnomAD v4.1: 13 of 1,605,174 alleles (0.00081%); highest among the groups gnomAD compares: African/African-American, 0.0013%; no homozygotes.

Submissions (2):

Ambry Genetics
Classification: Uncertain significance for Cardiovascular phenotype. Last evaluated: 2024-01-01. Review status: criteria provided, single submitter. Criteria: Ambry Variant Classification Scheme 2023. Collection method: clinical testing. Allele origin: germline.
Comment: The p.R941Q variant (also known as c.2822G>A), located in coding exon 35 of the CACNA2D1 gene, results from a G to A substitution at nucleotide position 2822. The arginine at codon 941 is replaced by glutamine, an amino acid with highly similar properties. This amino acid position is conserved. In addition, this alteration is predicted to be tolerated by in silico analysis. Since supporting evidence is limited at this time, the clinical significance of this alteration remains unclear.

Labcorp Genetics (formerly Invitae), Labcorp
Classification: Uncertain significance for Brugada syndrome. Last evaluated: 2021-08-26. Review status: criteria provided, single submitter. Criteria: Invitae Variant Classification Sherloc (09022015). Collection method: clinical testing. Allele origin: germline.
Comment: This sequence change replaces arginine with glutamine at codon 941 of the CACNA2D1 protein (p.Arg941Gln). The arginine residue is moderately conserved and there is a small physicochemical difference between arginine and glutamine. This variant is not present in population databases (ExAC no frequency). This variant has not been reported in the literature in individuals affected with CACNA2D1-related conditions. Algorithms developed to predict the effect of missense changes on protein structure and function (SIFT, PolyPhen-2, Align-GVGD) all suggest that this variant is likely to be tolerated. In summary, the available evidence is currently insufficient to determine the role of this variant in disease. Therefore, it has been classified as a Variant of Uncertain Significance.

NM_000722.4(CACNA2D1):c.2822G>A (p.Arg941Gln)

Gene: CACNA2D1 (calcium voltage-gated channel auxiliary subunit alpha2delta 1; minus strand). Cytogenetic location: 7q21.11.
Variant type: single nucleotide variant.
Coding change: c.2822G>A on transcript NM_000722.4 (MANE Select); coding-DNA position 2822, G replaced by A.
Protein change: p.Arg941Gln; replaces arginine 941 with glutamine.
Molecular consequence: missense variant.
Genome position (GRCh38, 1-based): chr7:81,962,454, C>T on the plus strand (G>A on the coding strand, the complement: CACNA2D1 is on the minus strand). VCF-style: chr7-81962454-C-T. GRCh37 (hg19) VCF-style: chr7-81591770-C-T.
Other names: c.2858G>A, p.Arg953Gln (NM_001366867.1); c.2822G>A (NM_000722.2); short protein forms R941Q, R953Q.
Identifiers: ClinVar variation 1428609 (VCV001428609.6), dbSNP rs991607267, ClinGen allele CA161121095.